The following is an entry in ClinVar:

NM_012062.5(DNM1L):c.471T>G (p.Asp157Glu)

Gene: DNM1L (dynamin 1 like; plus strand). Cytogenetic location: 12p11.21.
Variant type: single nucleotide variant.
Coding change: c.471T>G on transcript NM_012062.5 (MANE Select); coding-DNA position 471, T replaced by G.
Protein change: p.Asp157Glu; replaces aspartic acid 157 with glutamic acid.
Molecular consequence: missense variant. On other transcripts: intron variant (1).
Genome position (GRCh38, 1-based): chr12:32,713,223, T>G. VCF-style: chr12-32713223-T-G. GRCh37 (hg19) VCF-style: chr12-32866157-T-G.
Other names: c.471T>G, p.Asp157Glu (NM_001278463.2, NM_005690.5, NM_012063.4); c.510T>G, p.Asp170Glu (NM_001278464.2, NM_001278465.2, NM_001330380.2); c.131+5810T>G (NM_001278466.2); short protein forms D157E, D170E.
Identifiers: ClinVar variation 3768550 (VCV003768550.1).

ClinVar aggregate classification (germline): Uncertain significance (1 of 4 stars; one submission).

gnomAD v4.1: 6 of 1,613,852 alleles (0.00037%); highest among the groups gnomAD compares: Non-Finnish European, 0.00051%; no homozygotes.

Submission:

Women's Health and Genetics/Laboratory Corporation of America, LabCorp
Classification: Uncertain significance. Last evaluated: 2024-12-31. Review status: criteria provided, single submitter. Criteria: LabCorp Variant Classification Summary - May 2015. Collection method: clinical testing. Allele origin: germline.
Comment: Variant summary: DNM1L c.471T>G (p.Asp157Glu) results in a conservative amino acid change located in the P-loop containing nucleotide triphosphate hydrolases domain (IPR027417) of the encoded protein sequence. Three of five in-silico tools predict a damaging effect of the variant on protein function. The variant allele was found at a frequency of 4e-06 in 251188 control chromosomes. The available data on variant occurrences in the general population are insufficient to allow any conclusion about variant significance. To our knowledge, no occurrence of c.471T>G in individuals affected with Encephalopathy, Lethal, Due To Defective Mitochondrial Peroxisomal Fission 1, Autosomal Recessive and no experimental evidence demonstrating its impact on protein function have been reported. No submitters have cited clinical-significance assessments for this variant to ClinVar. Based on the evidence outlined above, the variant was classified as uncertain significance.